The following is an entry in ClinVar:

ClinVar aggregate classification (germline): Uncertain significance. Review status: criteria provided, multiple submitters, no conflicts (2 of 4 stars). 5 submissions from 4 submitters: Uncertain significance (5). Last evaluated 2024-12-11.

Conditions:
SLC25A13-related disorder. Also called: SLC25A13-related condition.
Citrin deficiency. Identifiers: Orphanet 247582, MedGen C1997910, MONDO:0016602.
Citrullinemia, type II, adult-onset (CDAA). Also called: CITRIN DEFICIENCY, ADOLESCENT OR ADULT ONSET. Identifiers: Orphanet 247585, MedGen CN295299, MONDO:0011326, OMIM 603471.
Neonatal intrahepatic cholestasis due to citrin deficiency (CDNI). Also called: Neonatal Intrahepatic Cholestasis Caused by Citrin Deficiency (NICCD); CITRIN DEFICIENCY, NEONATAL OR INFANTILE ONSET; Neonatal-onset citrullinemia type II; Neonatal-onset citrullinemia type 2. Identifiers: Orphanet 247598, MedGen C1853942, MONDO:0011601, OMIM 605814.

Allele frequency attached by ClinVar (database versions not stated): gnomAD 0.00001; gnomAD exomes 0.00004 and 0.00007; TOPMed 0.00004; ExAC 0.00014; 1000 Genomes Project 30x 0.00016; 1000 Genomes Project 0.00020.

Submissions (5):

PreventionGenetics, part of Exact Sciences
Classification: Uncertain significance for SLC25A13-related condition. Last evaluated: 2024-12-11. Review status: criteria provided, single submitter. Criteria: ACMG Guidelines, 2015. Collection method: clinical testing. Allele origin: germline.
Comment: The SLC25A13 c.185G>A variant is predicted to result in the amino acid substitution p.Ser62Asn. To our knowledge, this variant has not been reported in the literature. This variant is reported in 0.024% of alleles in individuals of Latino descent in gnomAD. At this time, the clinical significance of this variant is uncertain due to the absence of conclusive functional and genetic evidence.

Labcorp Genetics (formerly Invitae), Labcorp
Classification: Uncertain significance for Citrin deficiency. Last evaluated: 2021-11-18. Review status: criteria provided, single submitter. Criteria: Invitae Variant Classification Sherloc (09022015). Collection method: clinical testing. Allele origin: germline.
Comment: This sequence change replaces serine, which is neutral and polar, with asparagine, which is neutral and polar, at codon 62 of the SLC25A13 protein (p.Ser62Asn). This variant is present in population databases (rs577901657, gnomAD 0.02%). This variant has not been reported in the literature in individuals affected with SLC25A13-related conditions. ClinVar contains an entry for this variant (Variation ID: 596568). Advanced modeling of protein sequence and biophysical properties (such as structural, functional, and spatial information, amino acid conservation, physicochemical variation, residue mobility, and thermodynamic stability) performed at Invitae indicates that this missense variant is not expected to disrupt SLC25A13 protein function. In summary, the available evidence is currently insufficient to determine the role of this variant in disease. Therefore, it has been classified as a Variant of Uncertain Significance.

Genome-Nilou Lab
Classification: Uncertain significance for Citrullinemia, type II, adult-onset. Last evaluated: 2021-07-22. Review status: criteria provided, single submitter. Criteria: ACMG Guidelines, 2015. Collection method: clinical testing. Allele origin: germline. Affected: no.

Genome-Nilou Lab
Classification: Uncertain significance for Neonatal intrahepatic cholestasis due to citrin deficiency. Last evaluated: 2021-07-22. Review status: criteria provided, single submitter. Criteria: ACMG Guidelines, 2015. Collection method: clinical testing. Allele origin: germline. Affected: no.

Eurofins Ntd Llc (ga)
Classification: Uncertain significance. Last evaluated: 2018-03-21. Review status: criteria provided, single submitter. Criteria: EGL ClinVar v180209 classification definitions. Collection method: clinical testing. Allele origin: germline. Observed: 1 variant allele, 1 heterozygote.

NM_014251.3(SLC25A13):c.185G>A (p.Ser62Asn)

Gene: SLC25A13 (solute carrier family 25 member 13; minus strand). Cytogenetic location: 7q21.3.
Variant type: single nucleotide variant.
Coding change: c.185G>A on transcript NM_014251.3 (MANE Select); coding-DNA position 185, G replaced by A.
Protein change: p.Ser62Asn; replaces serine 62 with asparagine.
Molecular consequence: missense variant. On other transcripts: non-coding transcript variant (1).
Genome position (GRCh38, 1-based): chr7:96,277,223, C>T on the plus strand (G>A on the coding strand, the complement: SLC25A13 is on the minus strand). VCF-style: chr7-96277223-C-T. GRCh37 (hg19) VCF-style: chr7-95906535-C-T.
Other names: c.185G>A (NM_014251.2); c.185G>A, p.Ser62Asn (NM_001160210.2); short protein forms S62N.
Identifiers: ClinVar variation 596568 (VCV000596568.9), dbSNP rs577901657, ClinGen allele CA4353368.